The following is an entry in ClinVar:

ClinVar aggregate classification (germline): Uncertain significance (1 of 4 stars; one submission).

Conditions:
Werner syndrome (WRN). Identifiers: Orphanet 902, MedGen C0043119, MONDO:0010196, OMIM 277700.

Submission:

Labcorp Genetics (formerly Invitae), Labcorp
Classification: Uncertain significance for Werner syndrome. Last evaluated: 2021-05-21. Review status: criteria provided, single submitter. Criteria: Invitae Variant Classification Sherloc (09022015). Collection method: clinical testing. Allele origin: germline.
Comment: In summary, the available evidence is currently insufficient to determine the role of this variant in disease. Therefore, it has been classified as a Variant of Uncertain Significance. Algorithms developed to predict the effect of missense changes on protein structure and function are either unavailable or do not agree on the potential impact of this missense change (SIFT: "Not Available"; PolyPhen-2: "Possibly Damaging"; Align-GVGD: "Not Available"). This variant has not been reported in the literature in individuals with WRN-related conditions. This variant is not present in population databases (ExAC no frequency). This sequence change replaces leucine with phenylalanine at codon 981 of the WRN protein (p.Leu981Phe). The leucine residue is weakly conserved and there is a small physicochemical difference between leucine and phenylalanine.

NM_000553.6(WRN):c.2941C>T (p.Leu981Phe)

Gene: WRN (WRN RecQ like helicase; plus strand). Cytogenetic location: 8p12.
Variant type: single nucleotide variant.
Coding change: c.2941C>T on transcript NM_000553.6 (MANE Select); coding-DNA position 2941, C replaced by T.
Protein change: p.Leu981Phe; replaces leucine 981 with phenylalanine.
Molecular consequence: missense variant.
Genome position (GRCh38, 1-based): chr8:31,132,480, C>T. VCF-style: chr8-31132480-C-T. GRCh37 (hg19) VCF-style: chr8-30989996-C-T.
Other names: short protein forms L981F.
Identifiers: ClinVar variation 1355738 (VCV001355738.6), dbSNP rs2130377578, ClinGen allele CA370919210.